The following is an entry in ClinVar:

NM_003183.6(ADAM17):c.220G>A (p.Ala74Thr)

Gene: ADAM17 (ADAM metallopeptidase domain 17; minus strand). Cytogenetic location: 2p25.1.
Variant type: single nucleotide variant.
Coding change: c.220G>A on transcript NM_003183.6 (MANE Select); coding-DNA position 220, G replaced by A.
Protein change: p.Ala74Thr; replaces alanine 74 with threonine.
Molecular consequence: missense variant. On other transcripts: 5 prime UTR variant (2).
Genome position (GRCh38, 1-based): chr2:9,543,163, C>T on the plus strand (G>A on the coding strand, the complement: ADAM17 is on the minus strand). VCF-style: chr2-9543163-C-T. GRCh37 (hg19) VCF-style: chr2-9683292-C-T.
Other names: c.-461G>A (NM_001382777.1); c.-703G>A (NM_001382778.1); short protein forms A74T.
Identifiers: ClinVar variation 1515051 (VCV001515051.8), dbSNP rs2125040739, ClinGen allele CA345787735.
Genomic context (GRCh38, chr2:9,543,163, plus strand): 5'-AAACCAAGCCCCCAGTGCCCCAACATTATTCCATGAATAATTCAAATTACCTTTTCAAAG[C>T]TGAAAAAGTTAGTAGTGTTTCTACATGTGTTGAAGTCTGTAGATCTCTTTTTCTTACCGA-3'
Protein context (NP_003174.3, residues 64-84): THVETLLTFS[Ala74Thr]LKRHFKLYLT

ClinVar aggregate classification (germline): Uncertain significance (1 of 4 stars; one submission).

Conditions:
Inflammatory skin and bowel disease, neonatal, 1. Identifiers: Orphanet 294023, MedGen C3280501, MONDO:0013693, OMIM 614328.

Submission:

Labcorp Genetics (formerly Invitae), Labcorp
Classification: Uncertain significance for Inflammatory skin and bowel disease, neonatal, 1. Last evaluated: 2024-01-08. Review status: criteria provided, single submitter. Criteria: Invitae Variant Classification Sherloc (09022015). Collection method: clinical testing. Allele origin: germline.
Comment: This sequence change replaces alanine, which is neutral and non-polar, with threonine, which is neutral and polar, at codon 74 of the ADAM17 protein (p.Ala74Thr). This variant is not present in population databases (gnomAD no frequency). This variant has not been reported in the literature in individuals affected with ADAM17-related conditions. ClinVar contains an entry for this variant (Variation ID: 1515051). An algorithm developed to predict the effect of missense changes on protein structure and function (PolyPhen-2) suggests that this variant is likely to be disruptive. In summary, the available evidence is currently insufficient to determine the role of this variant in disease. Therefore, it has been classified as a Variant of Uncertain Significance.